The following is an entry in ClinVar:

ClinVar aggregate classification (germline): Uncertain significance (1 of 4 stars; one submission).

Submission:

Labcorp Genetics (formerly Invitae), Labcorp
Classification: Uncertain significance. Last evaluated: 2024-05-15. Review status: criteria provided, single submitter. Criteria: Invitae Variant Classification Sherloc (09022015). Collection method: clinical testing. Allele origin: germline.
Comment: This sequence change replaces asparagine, which is neutral and polar, with serine, which is neutral and polar, at codon 1111 of the KMT2B protein (p.Asn1111Ser). This variant is not present in population databases (gnomAD no frequency). This variant has not been reported in the literature in individuals affected with KMT2B-related conditions. Algorithms developed to predict the effect of missense changes on protein structure and function output the following: SIFT: "Not Available"; PolyPhen-2: "Not Available"; Align-GVGD: "Not Available". The serine amino acid residue is found in multiple mammalian species, which suggests that this missense change does not adversely affect protein function. In summary, the available evidence is currently insufficient to determine the role of this variant in disease. Therefore, it has been classified as a Variant of Uncertain Significance.

NM_014727.3(KMT2B):c.3332A>G (p.Asn1111Ser)

Gene: KMT2B (lysine methyltransferase 2B; plus strand). Cytogenetic location: 19q13.12.
Variant type: single nucleotide variant.
Coding change: c.3332A>G on transcript NM_014727.3 (MANE Select); coding-DNA position 3332, A replaced by G.
Protein change: p.Asn1111Ser; replaces asparagine 1111 with serine.
Molecular consequence: missense variant.
Genome position (GRCh38, 1-based): chr19:35,724,005, A>G. VCF-style: chr19-35724005-A-G. GRCh37 (hg19) VCF-style: chr19-36214906-A-G.
Other names: short protein forms N1111S.
Identifiers: ClinVar variation 2788884 (VCV002788884.3), dbSNP rs2513326426, ClinGen allele CA405405708.